The following is an entry in ClinVar:

NM_006231.4(POLE):c.3031_3034del (p.Asp1011fs)

Gene: POLE (DNA polymerase epsilon, catalytic subunit; minus strand). Cytogenetic location: 12q24.33.
Variant type: Deletion.
Coding change: c.3031_3034del on transcript NM_006231.4 (MANE Select); coding-DNA positions 3031 to 3034, 4 bases deleted (GACT; older notation c.3031_3034delGACT).
Protein change: p.Asp1011fs; shifts the reading frame from aspartic acid 1011.
Molecular consequence: frameshift variant.
Genome position (GRCh38, 1-based): chr12:132,660,995-132,660,998, AGTC deleted on the plus strand (GACT on the coding strand, the reverse complement: POLE is on the minus strand); deleting any 4 consecutive bases within chr12:132,660,995-132,661,000 gives the same sequence; the c. name uses the placement nearest the transcript's 3' end. VCF-style (leftmost placement, unchanged base first): chr12-132660994-TAGTC-T. GRCh37 (hg19) VCF-style: chr12-133237580-TAGTC-T.
Other names: short protein forms D1011fs.
Identifiers: ClinVar variation 4729088 (VCV004729088.1).

ClinVar aggregate classification (germline): Pathogenic (1 of 4 stars; one submission).

Submission:

Labcorp Genetics (formerly Invitae), Labcorp
Classification: Pathogenic. Last evaluated: 2025-10-13. Review status: criteria provided, single submitter. Criteria: Invitae Variant Classification Sherloc (09022015). Collection method: clinical testing. Allele origin: germline.
Comment: This sequence change creates a premature translational stop signal (p.Asp1011Thrfs*63) in the POLE gene. It is expected to result in an absent or disrupted protein product. Loss-of-function variants in POLE are known to be pathogenic (PMID: 23230001, 25948378, 30503519). This variant is not present in population databases (gnomAD no frequency). This variant has not been reported in the literature in individuals affected with POLE-related conditions. For these reasons, this variant has been classified as Pathogenic.

Literature cited by the submitters: PubMed 23230001; PubMed 25948378; PubMed 30503519.